The following is an entry in ClinVar:

NM_031229.4(RBCK1):c.1293G>A (p.Thr431=)

Gene: RBCK1 (RANBP2-type and C3HC4-type zinc finger containing 1; plus strand). Cytogenetic location: 20p13.
Variant type: single nucleotide variant.
Coding change: c.1293G>A on transcript NM_031229.4 (MANE Select); coding-DNA position 1293, G replaced by A.
Protein change: p.Thr431=; no amino-acid change (threonine 431 retained).
Molecular consequence: synonymous variant. On other transcripts: non-coding transcript variant (1).
Genome position (GRCh38, 1-based): chr20:428,574, G>A. VCF-style: chr20-428574-G-A. GRCh37 (hg19) VCF-style: chr20-409218-G-A.
Other names: p.Thr431=; c.783G>A, p.Thr261= (NM_001323956.2, NM_001323958.2); c.1167G>A, p.Thr389= (NM_006462.6).
Identifiers: ClinVar variation 1132138 (VCV001132138.10), dbSNP rs766366513, ClinGen allele CA9723329.
Genomic context (GRCh38, chr20:428,574, plus strand): 5'-CAAGGAGTATCAGGAGGACCTGGCCCTGCGGGCTCAGAACGATGTGGCTGCCCGGCAGAC[G>A]ACAGAGATGCTGAAGGTGAGGCTGGGACAGGGCCGAGGCCTAGGGATTTTAAGTTCTGGG-3'
Protein context (NP_112506.2, residues 421-441): RAQNDVAARQ[Thr431=]TEMLKVMLQQ

ClinVar aggregate classification (germline): Likely benign. Review status: criteria provided, multiple submitters, no conflicts (2 of 4 stars). 2 submissions from 2 submitters: Likely benign (2). Last evaluated 2025-11-26.

Conditions:
Polyglucosan body myopathy type 1 (PGBM1). Also called: POLYGLUCOSAN BODY MYOPATHY WITHOUT IMMUNODEFICIENCY; Polyglucosan body myopathy 1 with or without immunodeficiency. Identifiers: Orphanet 329173, Orphanet 397937, MedGen C4014605, MONDO:0014389, OMIM 615895.

Allele frequency attached by ClinVar (database versions not stated): ExAC 0.00002; gnomAD exomes 0.00002; TOPMed 0.00002; gnomAD 0.00005 and 0.00006.
gnomAD v4.1: 42 of 1,611,254 alleles (0.0026%); highest among the groups gnomAD compares: East Asian, 0.013%; no homozygotes.

Submissions (2):

Labcorp Genetics (formerly Invitae), Labcorp
Classification: Likely benign for Polyglucosan body myopathy type 1. Last evaluated: 2025-11-26. Review status: criteria provided, single submitter. Criteria: Invitae Variant Classification Sherloc (09022015). Collection method: clinical testing. Allele origin: germline.

Mayo Clinic Laboratories, Mayo Clinic
Classification: Likely benign. Last evaluated: 2024-12-31. Review status: criteria provided, single submitter. Criteria: ACMG Guidelines, 2015. Collection method: clinical testing. Allele origin: germline. Observed: 1 variant allele.
Comment: BP4, BP7